The following is an entry in ClinVar:

NM_000428.3(LTBP2):c.5264_5287del (p.Tyr1755_Gly1762del)

Gene: LTBP2 (latent transforming growth factor beta binding protein 2; minus strand). Cytogenetic location: 14q24.3.
Variant type: Deletion.
Coding change: c.5264_5287del on transcript NM_000428.3 (MANE Select); coding-DNA positions 5264 to 5287, 24 bases deleted (ACACCTGTGACTGTTTTGAGGGCT).
Protein change: p.Tyr1755_Gly1762del.
Molecular consequence: inframe deletion.
Genome position (GRCh38, 1-based): chr14:74,501,474-74,501,497, AGCCCTCAAAACAGTCACAGGTGT deleted on the plus strand (ACACCTGTGACTGTTTTGAGGGCT on the coding strand, the reverse complement: LTBP2 is on the minus strand); deleting any 24 consecutive bases within chr14:74,501,474-74,501,504 gives the same sequence; the c. name uses the placement nearest the transcript's 3' end. VCF-style (leftmost placement, unchanged base first): chr14-74501473-AAGCCCTCAAAACAGTCACAGGTGT-A. GRCh37 (hg19) VCF-style: chr14-74968176-AAGCCCTCAAAACAGTCACAGGTGT-A.
Identifiers: ClinVar variation 2789497 (VCV002789497.3), dbSNP rs1160610120, ClinGen allele CA615025157.

ClinVar aggregate classification (germline): Pathogenic (1 of 4 stars; one submission).

Submission:

Labcorp Genetics (formerly Invitae), Labcorp
Classification: Pathogenic. Last evaluated: 2023-12-09. Review status: criteria provided, single submitter. Criteria: Invitae Variant Classification Sherloc (09022015). Collection method: clinical testing. Allele origin: germline.
Comment: This variant, c.5264_5287del, results in the deletion of 8 amino acid(s) of the LTBP2 protein (p.Tyr1755_Gly1762del), but otherwise preserves the integrity of the reading frame. This variant is present in population databases (no rsID available, gnomAD 0.003%). This variant has not been reported in the literature in individuals affected with LTBP2-related conditions. Experimental studies and prediction algorithms are not available or were not evaluated, and the functional significance of this variant is currently unknown. This variant disrupts a region of the LTBP2 protein in which other variant(s) (p.Cys1757Tyr) have been determined to be pathogenic (PMID: 32165823). This suggests that this is a clinically significant region of the protein, and that variants that disrupt it are likely to be disease-causing. For these reasons, this variant has been classified as Pathogenic.

Literature cited by the submitters: PubMed 32165823.